The following is an entry in ClinVar:

ClinVar aggregate classification (germline): Pathogenic. Review status: criteria provided, multiple submitters, no conflicts (2 of 4 stars). 2 submissions from 2 submitters: Pathogenic (2). Last evaluated 2021-07-12.

Conditions:
Ullrich congenital muscular dystrophy 1A. Also called: Intermediate COL6-RD; Ullrich congenital muscular dystrophy 1. Identifiers: Orphanet 75840, MedGen C0410179, MONDO:0009681, OMIM 254090.
Bethlem myopathy 1A. Also called: Bethlem Muscular Dystrophy; MYOPATHY, BENIGN CONGENITAL, WITH CONTRACTURES; Bethlem myopathy 1. Identifiers: Orphanet 610, MedGen CN029274, MONDO:0024530, OMIM 158810.

Submissions (2):

Labcorp Genetics (formerly Invitae), Labcorp
Classification: Pathogenic for Bethlem myopathy 1A. Last evaluated: 2021-07-12. Review status: criteria provided, single submitter. Criteria: Invitae Variant Classification Sherloc (09022015). Collection method: clinical testing. Allele origin: germline.

Eurofins Ntd Llc (ga)
Classification: Pathogenic. Last evaluated: 2016-09-03. Review status: criteria provided, single submitter. Criteria: EGL Classification Definitions 2015. Collection method: clinical testing. Allele origin: germline. Observed: 1 variant allele, 1 heterozygote.

Literature cited by the submitters: PubMed 15563506 (cited by Eurofins Ntd Llc (ga)).

NM_001848.3(COL6A1):c.957+1G>A

Gene: COL6A1 (collagen type VI alpha 1 chain; plus strand). Cytogenetic location: 21q22.3.
Variant type: single nucleotide variant.
Coding change: c.957+1G>A on transcript NM_001848.3 (MANE Select); the canonical splice donor site of the intron after coding-DNA position 957, G replaced by A.
Molecular consequence: splice donor variant.
Genome position (GRCh38, 1-based): chr21:45,990,285, G>A. VCF-style: chr21-45990285-G-A. GRCh37 (hg19) VCF-style: chr21-47410199-G-A.
Identifiers: ClinVar variation 290695 (VCV000290695.9), dbSNP rs886044535, ClinGen allele CA10606879.